The following is an entry in ClinVar:

ClinVar aggregate classification (germline): Uncertain significance (1 of 4 stars; one submission).

Conditions:
Hereditary cancer-predisposing syndrome. Also called: Hereditary Cancer Syndrome; Hereditary neoplastic syndrome; Neoplastic Syndromes, Hereditary; Tumor predisposition. Identifiers: Orphanet 140162, MedGen C0027672, MeSH D009386, MONDO:0015356.

Submission:

Labcorp Genetics (formerly Invitae), Labcorp
Classification: Uncertain significance for Hereditary cancer-predisposing syndrome. Last evaluated: 2025-12-08. Review status: criteria provided, single submitter. Criteria: Invitae Variant Classification Sherloc (09022015). Collection method: clinical testing. Allele origin: germline.
Comment: This sequence change replaces arginine, which is basic and polar, with serine, which is neutral and polar, at codon 1148 of the RAD50 protein (p.Arg1148Ser). This variant is not present in population databases (gnomAD no frequency). This variant has not been reported in the literature in individuals affected with RAD50-related conditions. ClinVar contains an entry for this variant (Variation ID: 408378). Invitae Evidence Modeling of protein sequence and biophysical properties (such as structural, functional, and spatial information, amino acid conservation, physicochemical variation, residue mobility, and thermodynamic stability) has been performed for this missense variant. However, the output from this modeling did not meet the statistical confidence thresholds required to predict the impact of this variant on RAD50 protein function. In summary, the available evidence is currently insufficient to determine the role of this variant in disease. Therefore, it has been classified as a Variant of Uncertain Significance.

NM_005732.4(RAD50):c.3442C>A (p.Arg1148Ser)

Genes: TH2LCRR (T helper type 2 locus control region associated RNA; minus strand), TH2-LCR (Th2 cytokine locus control region; plus strand), RAD50 (RAD50 double strand break repair protein; plus strand). Cytogenetic location: 5q31.1.
Variant type: single nucleotide variant.
Coding change: c.3442C>A on transcript NM_005732.4 (MANE Select); coding-DNA position 3442, C replaced by A.
Protein change: p.Arg1148Ser; replaces arginine 1148 with serine.
Molecular consequence: missense variant.
Genome position (GRCh38, 1-based): chr5:132,637,167, C>A. VCF-style: chr5-132637167-C-A. GRCh37 (hg19) VCF-style: chr5-131972859-C-A.
Other names: short protein forms R1148S.
Identifiers: ClinVar variation 408378 (VCV000408378.9), dbSNP rs746841895, ClinGen allele CA16611993.
Genomic context (GRCh38, chr5:132,637,167, plus strand): 5'-TTTTCCAGAGCAATAATGAAATTTCACAGTATGAAAATGGAAGAAATCAATAAAATTATA[C>A]GTGACCTGTGGCGAAGTACCTATCGTGGACAAGGTGAGTACCATGGTGTATCACAAATGC-3'
Protein context (NP_005723.2, residues 1138-1158): MKMEEINKII[Arg1148Ser]DLWRSTYRGQ